The following is an entry in ClinVar:

NM_152383.5(DIS3L2):c.97G>A (p.Gly33Ser)

Gene: DIS3L2 (DIS3 like 3'-5' exoribonuclease 2; plus strand). Cytogenetic location: 2q37.1.
Variant type: single nucleotide variant.
Coding change: c.97G>A on transcript NM_152383.5 (MANE Select); coding-DNA position 97, G replaced by A.
Protein change: p.Gly33Ser; replaces glycine 33 with serine.
Molecular consequence: missense variant. On other transcripts: non-coding transcript variant (2).
Genome position (GRCh38, 1-based): chr2:232,015,558, G>A. VCF-style: chr2-232015558-G-A. GRCh37 (hg19) VCF-style: chr2-232880268-G-A.
Other names: c.97G>A, p.Gly33Ser (NM_001257281.2, NM_001257282.2); short protein forms G33S.
Identifiers: ClinVar variation 2168196 (VCV002168196.6), dbSNP rs746567735, ClinGen allele CA351151889.

ClinVar aggregate classification (germline): Uncertain significance. Review status: criteria provided, multiple submitters, no conflicts (2 of 4 stars). 2 submissions from 2 submitters: Uncertain significance (2). Last evaluated 2025-12-10.

Conditions:
Perlman syndrome (PRLMNS). Identifiers: Orphanet 2849, MedGen C0796113, MONDO:0009965, OMIM 267000.

Submissions (2):

Dasa
Classification: Uncertain significance. Last evaluated: 2025-12-10. Review status: criteria provided, single submitter. Criteria: DASA Assertion Criteria. Collection method: clinical testing. Allele origin: germline.
Comment: NM_152383.5(DIS3L2):c.97G>A (p.Gly33Ser) is a missense variant that results in the substitution of glycine with serine. This variant is absent from population databases. Computational prediction algorithms are consistent with a benign effect. The currently available literature and clinical evidence are not sufficient to establish a definitive association between this variant and the reported condition. Therefore, this variant is classified as a variant of uncertain significance.

Labcorp Genetics (formerly Invitae), Labcorp
Classification: Uncertain significance for Perlman syndrome. Last evaluated: 2022-07-03. Review status: criteria provided, single submitter. Criteria: Invitae Variant Classification Sherloc (09022015). Collection method: clinical testing. Allele origin: germline.
Comment: In summary, the available evidence is currently insufficient to determine the role of this variant in disease. Therefore, it has been classified as a Variant of Uncertain Significance. Algorithms developed to predict the effect of missense changes on protein structure and function output the following: SIFT: "Tolerated"; PolyPhen-2: "Benign"; Align-GVGD: "Class C0". The serine amino acid residue is found in multiple mammalian species, which suggests that this missense change does not adversely affect protein function. This variant has not been reported in the literature in individuals affected with DIS3L2-related conditions. This variant is not present in population databases (gnomAD no frequency). This sequence change replaces glycine, which is neutral and non-polar, with serine, which is neutral and polar, at codon 33 of the DIS3L2 protein (p.Gly33Ser).